The following is an entry in ClinVar:

NM_000138.5(FBN1):c.6164-3C>T

Gene: FBN1 (fibrillin 1; minus strand). Cytogenetic location: 15q21.1.
Variant type: single nucleotide variant.
Coding change: c.6164-3C>T on transcript NM_000138.5 (MANE Select); 3 bases into the intron before coding-DNA position 6164, C replaced by T.
Molecular consequence: intron variant.
Genome position (GRCh38, 1-based): chr15:48,437,920, G>A on the plus strand (C>T on the coding strand, the complement: FBN1 is on the minus strand). VCF-style: chr15-48437920-G-A. GRCh37 (hg19) VCF-style: chr15-48730117-G-A.
Identifiers: ClinVar variation 200074 (VCV000200074.67), dbSNP rs571365493, ClinGen allele CA016268.

ClinVar aggregate classification (germline): Conflicting classifications of pathogenicity. Review status: criteria provided, conflicting classifications (1 of 4 stars). 8 submissions from 8 submitters: Uncertain significance (1); Likely benign (7). Last evaluated 2026-01-28.

Conditions:
Familial thoracic aortic aneurysm and aortic dissection (TAAD). Also called: Thoracic aortic aneurysms and dissections. Identifiers: Orphanet 91387, MedGen C4707243, MONDO:0019625.
Marfan syndrome (MFS). Also called: Marfan syndrome type 1; Marfan's syndrome; Marfan syndrome, classic; MARFAN SYNDROME, TYPE I; FBN1-Related Marfan Syndrome. Identifiers: Orphanet 284963, Orphanet 558, MedGen C0024796, MONDO:0007947, OMIM 154700.

Allele frequency attached by ClinVar (database versions not stated): TOPMed 0.00005; gnomAD 0.00006 and 0.00009; ExAC 0.00009; gnomAD exomes 0.00009 and 0.00024; 1000 Genomes Project 30x 0.00031; 1000 Genomes Project 0.00040.

Submissions (8):

Labcorp Genetics (formerly Invitae), Labcorp
Classification: Likely benign for Marfan syndrome; Familial thoracic aortic aneurysm and aortic dissection. Last evaluated: 2026-01-28. Review status: criteria provided, single submitter. Criteria: Invitae Variant Classification Sherloc (09022015). Collection method: clinical testing. Allele origin: germline.

Women's Health and Genetics/Laboratory Corporation of America, LabCorp
Classification: Likely benign. Last evaluated: 2025-09-04. Review status: criteria provided, single submitter. Criteria: LabCorp Variant Classification Summary - May 2015. Collection method: clinical testing. Allele origin: germline.
Comment: Variant summary: FBN1 c.6164-3C>T alters a nucleotide located close to a canonical splice site and therefore could affect mRNA splicing, leading to a significantly altered protein sequence. Consensus agreement among computation tools predict no significant impact on normal splicing. However, these predictions have yet to be confirmed by functional studies. The variant allele was found at a frequency of 0.00022 in 1613444 control chromosomes, predominantly at a frequency of 0.00043 within the South Asian subpopulation in the gnomAD database. The observed variant frequency within South Asian control individuals in the gnomAD database exceeds the estimated maximal expected allele frequency for disease-causing variants in FBN1. To our knowledge, no occurrence of c.6164-3C>T in individuals affected with FBN1-related conditions and no experimental evidence demonstrating its impact on protein function have been reported. ClinVar contains an entry for this variant (Variation ID: 200074). Based on the evidence outlined above, the variant was classified as likely benign.

CeGaT Center for Human Genetics Tuebingen
Classification: Likely benign. Last evaluated: 2025-07-01. Review status: criteria provided, single submitter. Criteria: CeGaT Center For Human Genetics Tuebingen Variant Classification Criteria Version 2. Collection method: clinical testing. Allele origin: germline. Affected: yes. Observed: 1 variant allele.
Comment: FBN1: BP4

Ambry Genetics
Classification: Likely benign for Familial thoracic aortic aneurysm and aortic dissection. Last evaluated: 2024-05-30. Review status: criteria provided, single submitter. Criteria: Ambry Variant Classification Scheme 2023. Collection method: clinical testing. Allele origin: germline.

Blueprint Genetics
Classification: Likely benign. Last evaluated: 2023-04-25. Review status: criteria provided, single submitter. Criteria: ACMG Guidelines, 2015. Collection method: clinical testing. Allele origin: germline.

GeneDx
Classification: Likely benign. Last evaluated: 2021-03-02. Review status: criteria provided, single submitter. Criteria: GeneDx Variant Classification Process June 2021. Collection method: clinical testing. Allele origin: germline. Affected: yes.
Comment: This variant is associated with the following publications: (PMID: 25834947, 32123317)

Color Diagnostics, LLC DBA Color Health
Classification: Likely benign for Familial thoracic aortic aneurysm and aortic dissection. Last evaluated: 2018-10-26. Review status: criteria provided, single submitter. Criteria: ACMG Guidelines, 2015. Collection method: clinical testing. Allele origin: germline.

Baylor Genetics
Classification: Uncertain significance for Marfan syndrome. Last evaluated: 2018-02-05. Review status: criteria provided, single submitter. Criteria: ACMG Guidelines, 2015. Collection method: clinical testing. Allele origin: unknown. Affected: yes.
Comment: This variant was determined to be of uncertain significance according to ACMG Guidelines, 2015 [PMID:25741868].

Literature cited by the submitters: PubMed 25834947 (cited by Women's Health and Genetics/Laboratory Corporation of America, LabCorp and Ambry Genetics); PubMed 32123317 (cited by Ambry Genetics).